The following is an entry in ClinVar:

ClinVar aggregate classification (germline): Conflicting classifications of pathogenicity. Review status: criteria provided, conflicting classifications (1 of 4 stars). 5 submissions from 5 submitters: Uncertain significance (2); Likely benign (3). Last evaluated 2026-06-18.

Conditions:
Hereditary cancer-predisposing syndrome. Also called: Neoplastic Syndromes, Hereditary; Hereditary Cancer Syndrome; Hereditary neoplastic syndrome; Tumor predisposition. Identifiers: Orphanet 140162, MedGen C0027672, MeSH D009386, MONDO:0015356.
Retinoblastoma (RB1). Also called: RETINOBLASTOMA, SOMATIC. Identifiers: Orphanet 790, MedGen C0035335, MeSH D012175, MONDO:0008380, OMIM 180200, HP:0009919. Disease mechanism: loss of function. Inheritance: Both sporadic and heritable forms are tested..

Allele frequency attached by ClinVar (database versions not stated): gnomAD exomes below 0.00001; TOPMed 0.00002; gnomAD 0.00001.
gnomAD v4.1: 7 of 1,578,726 alleles (0.00044%); highest among the groups gnomAD compares: African/African-American, 0.0081%; no homozygotes.

Submissions (5):

Myriad Genetics, Inc.
Classification: Likely benign for Retinoblastoma. Last evaluated: 2026-06-18. Review status: criteria provided, single submitter. Criteria: Myriad Autosomal Dominant, Autosomal Recessive and X-Linked Classification Criteria (2023). Collection method: clinical testing. Allele origin: unknown.
Comment: This variant is considered likely benign. This variant has been observed at a population frequency that is significantly greater than expected given the associated disease prevalence and penetrance.

Color Diagnostics, LLC DBA Color Health
Classification: Uncertain significance for Retinoblastoma. Last evaluated: 2025-12-10. Review status: criteria provided, single submitter. Criteria: ACMG Guidelines, 2015. Collection method: clinical testing. Allele origin: germline.
Comment: This missense variant replaces leucine with valine at codon 400 of the RB1 protein. Computational prediction suggests that this variant may have deleterious impact on protein structure and function. To our knowledge, functional studies have not been reported for this variant. This variant has not been reported in individuals affected with RB1-related disorders in the literature. This variant has been identified in 7/1578726 chromosomes in the general population by the Genome Aggregation Database (gnomAD). The available evidence is insufficient to determine the role of this variant in disease conclusively. Therefore, this variant is classified as a Variant of Uncertain Significance.

Labcorp Genetics (formerly Invitae), Labcorp
Classification: Likely benign for Retinoblastoma. Last evaluated: 2025-09-02. Review status: criteria provided, single submitter. Criteria: Invitae Variant Classification Sherloc (09022015). Collection method: clinical testing. Allele origin: germline.

Ambry Genetics
Classification: Likely benign for Hereditary cancer-predisposing syndrome. Last evaluated: 2024-01-05. Review status: criteria provided, single submitter. Criteria: Ambry Variant Classification Scheme 2023. Collection method: clinical testing. Allele origin: germline.

GeneDx
Classification: Uncertain significance. Last evaluated: 2022-12-19. Review status: criteria provided, single submitter. Criteria: GeneDx Variant Classification Process June 2021. Collection method: clinical testing. Allele origin: germline. Affected: yes.
Comment: Not observed at significant frequency in large population cohorts (gnomAD); In silico analysis supports that this missense variant has a deleterious effect on protein structure/function; Has not been previously published as pathogenic or benign to our knowledge; This variant is associated with the following publications: (PMID: Dayalan_2006_Review)

NM_000321.3(RB1):c.1198C>G (p.Leu400Val)

Gene: RB1 (RB transcriptional corepressor 1; plus strand). Cytogenetic location: 13q14.2.
Variant type: single nucleotide variant.
Coding change: c.1198C>G on transcript NM_000321.3 (MANE Select); coding-DNA position 1198, C replaced by G.
Protein change: p.Leu400Val; replaces leucine 400 with valine.
Molecular consequence: missense variant.
Genome position (GRCh38, 1-based): chr13:48,373,475, C>G. VCF-style: chr13-48373475-C-G. GRCh37 (hg19) VCF-style: chr13-48947611-C-G.
Other names: short protein forms L400V.
Identifiers: ClinVar variation 527916 (VCV000527916.18), dbSNP rs535576919, ClinGen allele CA388161643.